The following is an entry in ClinVar:

NM_001267550.2(TTN):c.4309A>C (p.Met1437Leu)

Genes: TTN (titin; minus strand), LOC101927055 (uncharacterized LOC101927055; plus strand). Cytogenetic location: 2q31.2.
Variant type: single nucleotide variant.
Coding change: c.4309A>C on transcript NM_001267550.2 (MANE Select); coding-DNA position 4309, A replaced by C.
Protein change: p.Met1437Leu; replaces methionine 1437 with leucine.
Molecular consequence: missense variant. On other transcripts: non-coding transcript variant (1).
Genome position (GRCh38, 1-based): chr2:178,777,875, T>G on the plus strand (A>C on the coding strand, the complement: TTN is on the minus strand). VCF-style: chr2-178777875-T-G. GRCh37 (hg19) VCF-style: chr2-179642602-T-G.
Other names: c.4309A>C, p.Met1437Leu (NM_001256850.1, NM_133378.4, NM_133379.5); c.4171A>C, p.Met1391Leu (NM_003319.4, NM_133432.3, NM_133437.4); short protein forms M1437L, M1391L.
Identifiers: ClinVar variation 4989419 (VCV004989419.1).

ClinVar aggregate classification (germline): Uncertain significance (1 of 4 stars; one submission).

Conditions:
TTN-related disorder. Also called: TTN-related disorders; TTN-related condition; TTN-related disease.

Submission:

PreventionGenetics, part of Exact Sciences
Classification: Uncertain significance for TTN-related condition. Last evaluated: 2024-12-19. Review status: criteria provided, single submitter. Criteria: ACMG Guidelines, 2015. Collection method: clinical testing. Allele origin: germline.
Comment: The TTN c.4309A>C variant is predicted to result in the amino acid substitution p.Met1437Leu. To our knowledge, this variant has not been reported in the literature. This variant is reported in 0.00088% of alleles in individuals of European (Non-Finnish) descent in gnomAD. At this time, the clinical significance of this variant is uncertain due to the absence of conclusive functional and genetic evidence.